The following is an entry in ClinVar:

ClinVar aggregate classification (germline): Uncertain significance (1 of 4 stars; one submission).

Submission:

Labcorp Genetics (formerly Invitae), Labcorp
Classification: Uncertain significance. Last evaluated: 2022-12-20. Review status: criteria provided, single submitter. Criteria: Invitae Variant Classification Sherloc (09022015). Collection method: clinical testing. Allele origin: germline.
Comment: This sequence change replaces phenylalanine, which is neutral and non-polar, with valine, which is neutral and non-polar, at codon 521 of the DCHS1 protein (p.Phe521Val). This variant is not present in population databases (gnomAD no frequency). This variant has not been reported in the literature in individuals affected with DCHS1-related conditions. Advanced modeling of protein sequence and biophysical properties (such as structural, functional, and spatial information, amino acid conservation, physicochemical variation, residue mobility, and thermodynamic stability) performed at Invitae indicates that this missense variant is not expected to disrupt DCHS1 protein function. In summary, the available evidence is currently insufficient to determine the role of this variant in disease. Therefore, it has been classified as a Variant of Uncertain Significance.

NM_003737.4(DCHS1):c.1561T>G (p.Phe521Val)

Gene: DCHS1 (dachsous cadherin-related 1; minus strand). Cytogenetic location: 11p15.4.
Variant type: single nucleotide variant.
Coding change: c.1561T>G on transcript NM_003737.4 (MANE Select); coding-DNA position 1561, T replaced by G.
Protein change: p.Phe521Val; replaces phenylalanine 521 with valine.
Molecular consequence: missense variant.
Genome position (GRCh38, 1-based): chr11:6,640,053, A>C on the plus strand (T>G on the coding strand, the complement: DCHS1 is on the minus strand). VCF-style: chr11-6640053-A-C. GRCh37 (hg19) VCF-style: chr11-6661284-A-C.
Other names: short protein forms F521V.
Identifiers: ClinVar variation 2822679 (VCV002822679.3), dbSNP rs2493840379, ClinGen allele CA379431166.